The following is an entry in ClinVar:

NM_001042492.3(NF1):c.1127T>C (p.Met376Thr)

Gene: NF1 (neurofibromin 1; plus strand). Cytogenetic location: 17q11.2.
Variant type: single nucleotide variant.
Coding change: c.1127T>C on transcript NM_001042492.3 (MANE Select); coding-DNA position 1127, T replaced by C.
Protein change: p.Met376Thr; replaces methionine 376 with threonine.
Molecular consequence: missense variant.
Genome position (GRCh38, 1-based): chr17:31,201,101, T>C. VCF-style: chr17-31201101-T-C. GRCh37 (hg19) VCF-style: chr17-29528119-T-C.
Other names: c.1127T>C, p.Met376Thr (NM_000267.4, NM_001128147.3); short protein forms M376T.
Identifiers: ClinVar variation 3636600 (VCV003636600.2).

ClinVar aggregate classification (germline): Uncertain significance (1 of 4 stars; one submission).

Conditions:
Neurofibromatosis, type 1 (NF1). Also called: VON RECKLINGHAUSEN DISEASE; Peripheral type neurofibromatosis; NEUROFIBROMATOSIS, TYPE I, SOMATIC; Neurofibromatosis, type I. Identifiers: Orphanet 636, MedGen C0027831, MONDO:0018975, OMIM 162200. Disease mechanism: loss of function.

Submission:

Labcorp Genetics (formerly Invitae), Labcorp
Classification: Uncertain significance for Neurofibromatosis, type 1. Last evaluated: 2025-11-09. Review status: criteria provided, single submitter. Criteria: Invitae Variant Classification Sherloc (09022015). Collection method: clinical testing. Allele origin: germline.
Comment: This sequence change replaces methionine, which is neutral and non-polar, with threonine, which is neutral and polar, at codon 376 of the NF1 protein (p.Met376Thr). This variant is not present in population databases (gnomAD no frequency). This variant has not been reported in the literature in individuals affected with NF1-related conditions. ClinVar contains an entry for this variant (Variation ID: 3636600). Invitae Evidence Modeling of protein sequence and biophysical properties (such as structural, functional, and spatial information, amino acid conservation, physicochemical variation, residue mobility, and thermodynamic stability) indicates that this missense variant is expected to disrupt NF1 protein function with a positive predictive value of 95%. In summary, the available evidence is currently insufficient to determine the role of this variant in disease. Therefore, it has been classified as a Variant of Uncertain Significance.